The following is an entry in ClinVar:

ClinVar aggregate classification (germline): Uncertain significance (1 of 4 stars; one submission).

Allele frequency attached by ClinVar (database versions not stated): gnomAD exomes 0.00001.
gnomAD v4.1: 7 of 1,571,028 alleles (0.00045%); highest among the groups gnomAD compares: Non-Finnish European, 0.0006%; no homozygotes.

Submission:

Labcorp Genetics (formerly Invitae), Labcorp
Classification: Uncertain significance. Last evaluated: 2023-11-14. Review status: criteria provided, single submitter. Criteria: Invitae Variant Classification Sherloc (09022015). Collection method: clinical testing. Allele origin: germline.
Comment: This sequence change falls in intron 19 of the COL18A1 gene. It does not directly change the encoded amino acid sequence of the COL18A1 protein. The frequency data for this variant in the population databases is considered unreliable, as metrics indicate poor data quality at this position in the gnomAD database. This variant has not been reported in the literature in individuals affected with COL18A1-related conditions. Algorithms developed to predict the effect of sequence changes on RNA splicing suggest that this variant may disrupt the consensus splice site. In summary, the available evidence is currently insufficient to determine the role of this variant in disease. Therefore, it has been classified as a Variant of Uncertain Significance.

NM_001379500.1(COL18A1):c.1960-14T>C

Gene: COL18A1 (collagen type XVIII alpha 1 chain; plus strand). Cytogenetic location: 21q22.3.
Variant type: single nucleotide variant.
Coding change: c.1960-14T>C on transcript NM_001379500.1 (MANE Select); 14 bases into the intron before coding-DNA position 1960, T replaced by C.
Molecular consequence: intron variant.
Genome position (GRCh38, 1-based): chr21:45,490,261, T>C. VCF-style: chr21-45490261-T-C. GRCh37 (hg19) VCF-style: chr21-46910175-T-C.
Other names: c.3205-14T>C (NM_130444.3); c.2500-14T>C (NM_030582.4).
Identifiers: ClinVar variation 2807122 (VCV002807122.3), dbSNP rs1190168037, ClinGen allele CA638162530.
Genomic context (GRCh38, chr21:45,490,261, plus strand): 5'-CGGACTCCTCGTGGGGGTCCCTGCATTCCTGGGCGTGTGGCCAATGCCCTGCGTCCTCCA[T>C]GTGACCCTTTCAGGGAGAAGTTGGAGCAGATGGAGTCCCCGGGTTCCCCGGCCTCCCTGG-3'